The following is an entry in ClinVar:

ClinVar aggregate classification (germline): Uncertain significance (1 of 4 stars; one submission).

Submission:

Labcorp Genetics (formerly Invitae), Labcorp
Classification: Uncertain significance. Last evaluated: 2023-09-19. Review status: criteria provided, single submitter. Criteria: Invitae Variant Classification Sherloc (09022015). Collection method: clinical testing. Allele origin: germline.
Comment: This sequence change replaces serine, which is neutral and polar, with asparagine, which is neutral and polar, at codon 763 of the NSD1 protein (p.Ser763Asn). This variant is not present in population databases (gnomAD no frequency). This variant has not been reported in the literature in individuals affected with NSD1-related conditions. Advanced modeling of protein sequence and biophysical properties (such as structural, functional, and spatial information, amino acid conservation, physicochemical variation, residue mobility, and thermodynamic stability) performed at Invitae indicates that this missense variant is not expected to disrupt NSD1 protein function. In summary, the available evidence is currently insufficient to determine the role of this variant in disease. Therefore, it has been classified as a Variant of Uncertain Significance.

NM_022455.5(NSD1):c.2288G>A (p.Ser763Asn)

Gene: NSD1 (nuclear receptor binding SET domain protein 1; plus strand). Cytogenetic location: 5q35.3.
Variant type: single nucleotide variant.
Coding change: c.2288G>A on transcript NM_022455.5 (MANE Select); coding-DNA position 2288, G replaced by A.
Protein change: p.Ser763Asn; replaces serine 763 with asparagine.
Molecular consequence: missense variant.
Genome position (GRCh38, 1-based): chr5:177,210,687, G>A. VCF-style: chr5-177210687-G-A. GRCh37 (hg19) VCF-style: chr5-176637688-G-A.
Other names: c.1415G>A, p.Ser472Asn (NM_001365684.2, NM_001409306.1, NM_001409307.1 and 3 more transcripts); c.2288G>A, p.Ser763Asn (NM_001409301.1, NM_001409302.1, NM_001409303.1); c.1868G>A, p.Ser623Asn (NM_001409304.1); c.1535G>A, p.Ser512Asn (NM_001409305.1); short protein forms S763N, S512N, S472N, S623N.
Identifiers: ClinVar variation 3730817 (VCV003730817.2).
Genomic context (GRCh38, chr5:177,210,687, plus strand): 5'-AGTCAGATTTTACAAATGATGCTCTCTCTCCAAAATTCAACCTGTCATCAAGCATATCCA[G>A]TGAGAACTCGTTAATAAAGGGTGGGGCAGCAAATCAAGCTCTATTACATTCGAAAAGCAA-3'
Protein context (NP_071900.2, residues 753-773): PKFNLSSSIS[Ser763Asn]ENSLIKGGAA